The following is an entry in ClinVar:

ClinVar aggregate classification (germline): Uncertain significance (1 of 4 stars; one submission).

gnomAD v4.1: 5 of 1,614,094 alleles (0.00031%); highest among the groups gnomAD compares: Non-Finnish European, 0.00034%; no homozygotes.

Submission:

GeneDx
Classification: Uncertain significance. Last evaluated: 2026-03-02. Review status: criteria provided, single submitter. Criteria: GeneDx Variant Classification Process June 2021. Collection method: clinical testing. Allele origin: germline.
Comment: Not observed at significant frequency in large population cohorts (gnomAD); In silico analysis suggests that this missense variant does not alter protein structure/function; Has not been previously published as pathogenic or benign to our knowledge

NM_002890.3(RASA1):c.385G>C (p.Gly129Arg)

Gene: RASA1 (RAS p21 protein activator 1; plus strand). Cytogenetic location: 5q14.3.
Variant type: single nucleotide variant.
Coding change: c.385G>C on transcript NM_002890.3 (MANE Select); coding-DNA position 385, G replaced by C.
Protein change: p.Gly129Arg; replaces glycine 129 with arginine.
Molecular consequence: missense variant.
Genome position (GRCh38, 1-based): chr5:87,268,836, G>C. VCF-style: chr5-87268836-G-C. GRCh37 (hg19) VCF-style: chr5-86564653-G-C.
Other names: short protein forms G129R.
Identifiers: ClinVar variation 5008410 (VCV005008410.1).